The following is an entry in ClinVar:

ClinVar aggregate classification (germline): Pathogenic. Review status: reviewed by expert panel (3 of 4 stars). 3 submissions from 3 submitters: Pathogenic (1). 2 of the submissions do not count toward it. Last evaluated 2021-02-10.

Conditions:
Glanzmann thrombasthenia 2. Also called: BLEEDING DISORDER, PLATELET-TYPE, 23. Identifiers: MedGen C5543273, MONDO:0031009, OMIM 619267.
Bleeding disorder, platelet-type, 24. Also called: GLANZMANN THROMBASTHENIA-LIKE WITH MACROTHROMBOCYTOPENIA 2. Identifiers: MedGen C5543280, MONDO:0030996, OMIM 619271.
Glanzmann thrombasthenia. Also called: Glanzmann's thrombasthenia; THROMBASTHENIA OF GLANZMANN AND NAEGELI; PLATELET GLYCOPROTEIN IIb-IIIa DEFICIENCY; Thrombasthenia. Identifiers: Orphanet 849, MedGen C0040015, MONDO:0100326.

Allele frequency attached by ClinVar (database versions not stated): gnomAD exomes 0.00001.
gnomAD v4.1: 5 of 1,614,108 alleles (0.00031%); highest among the groups gnomAD compares: Middle Eastern, 0.016%; no homozygotes.

Submissions (3):

ClinGen Platelet Disorders Variant Curation Expert Panel, ClinGen
Classification: Pathogenic for Glanzmann thrombasthenia. Last evaluated: 2021-02-10. Review status: reviewed by expert panel. Criteria: ClinGen Platelet ACMG Specifications v2. Collection method: curation. Allele origin: germline. Inheritance: Autosomal recessive inheritance.
Comment: The nonsense variant, c.505C>T (p.Arg169Ter), has been reported in one compound heterozygous proband (PMID: 25728920) and is absent from population databases. This nonsense variant occurs in exon 4 and is predicted to result in NMD. In summary, this variant meets criteria to be classified as pathogenic for GT. GT-specific criteria applied: PVS1, PP4_strong, and PM2_Supporting.

OLLIN Analises Genomicas, OLLIN
Classification: Pathogenic for Bleeding disorder, platelet-type, 24. Last evaluated: 2026-08-06. Review status: criteria provided, single submitter. Criteria: ACMG Guidelines 2015 PMID 25741868. Collection method: clinical testing. Allele origin: germline. Inheritance: Autosomal dominant inheritance. Not counted in ClinVar's aggregate classification.
Comment: This nonsense variant, located in exon 4 (of 15), has been reported in ClinVar (accession VCV000953061.4), in gnomAD with an allele frequency of 0.00031%, and in the scientific literature in individuals with ITGB3 related disorders (PMID: 25728920). This variant introduces a premature stop codon, which is predicted to result in either a truncated protein or degradation of the mRNA via nonsense-mediated decay (NMD). According to the currently available evidence, this variant has been classified as pathogenic (PVS1, PM2_P, PP4_S).

Baylor Genetics
Classification: Pathogenic for Glanzmann thrombasthenia 2. Last evaluated: 2024-03-02. Review status: criteria provided, single submitter. Criteria: ACMG Guidelines, 2015. Collection method: clinical testing. Allele origin: unknown. Not counted in ClinVar's aggregate classification.

Literature cited by the submitters: PubMed 25728920 (cited by ClinGen Platelet Disorders Variant Curation Expert Panel, ClinGen and OLLIN Analises Genomicas, OLLIN).

NM_000212.3(ITGB3):c.505C>T (p.Arg169Ter)

Gene: ITGB3 (integrin subunit beta 3; plus strand). Cytogenetic location: 17q21.32.
Variant type: single nucleotide variant.
Coding change: c.505C>T on transcript NM_000212.3 (MANE Select); coding-DNA position 505, C replaced by T.
Protein change: p.Arg169Ter; replaces arginine 169 with a stop codon.
Molecular consequence: nonsense.
Genome position (GRCh38, 1-based): chr17:47,284,586, C>T. VCF-style: chr17-47284586-C-T. GRCh37 (hg19) VCF-style: chr17-45361952-C-T.
Other names: short protein forms R169*.
Identifiers: ClinVar variation 953061 (VCV000953061.5), dbSNP rs1038392991, ClinGen allele CA291224658.